The following is an entry in ClinVar:

NM_000334.4(SCN4A):c.3926A>G (p.Asp1309Gly)

Genes: GH-LCR (growth hormone locus control region; plus strand), SCN4A (sodium voltage-gated channel alpha subunit 4; minus strand). Cytogenetic location: 17q23.3.
Variant type: single nucleotide variant.
Coding change: c.3926A>G on transcript NM_000334.4 (MANE Select); coding-DNA position 3926, A replaced by G.
Protein change: p.Asp1309Gly; replaces aspartic acid 1309 with glycine.
Molecular consequence: missense variant.
Genome position (GRCh38, 1-based): chr17:63,943,837, T>C on the plus strand (A>G on the coding strand, the complement: SCN4A is on the minus strand). VCF-style: chr17-63943837-T-C. GRCh37 (hg19) VCF-style: chr17-62021197-T-C.
Other names: short protein forms D1309G.
Identifiers: ClinVar variation 2903729 (VCV002903729.4), dbSNP rs1180189206, ClinGen allele CA400617152.

ClinVar aggregate classification (germline): Uncertain significance. Review status: criteria provided, multiple submitters, no conflicts (2 of 4 stars). 2 submissions from 2 submitters: Uncertain significance (2). Last evaluated 2024-11-04.

Conditions:
Hyperkalemic periodic paralysis. Also called: Familial hyperkalemic periodic paralysis; Gamstorp disease. Identifiers: Orphanet 682, MedGen C0238357, MONDO:0008224, OMIM 170500, HP:0007215.

gnomAD v4.1: 2 of 1,610,798 alleles (0.00012%); highest among the groups gnomAD compares: Middle Eastern, 0.016%; no homozygotes.

Submissions (2):

Revvity Omics, Revvity
Classification: Uncertain significance. Last evaluated: 2024-11-04. Review status: criteria provided, single submitter. Criteria: ACMG Guidelines, 2015. Collection method: clinical testing. Allele origin: germline.

Labcorp Genetics (formerly Invitae), Labcorp
Classification: Uncertain significance for Hyperkalemic periodic paralysis. Last evaluated: 2023-12-30. Review status: criteria provided, single submitter. Criteria: Invitae Variant Classification Sherloc (09022015). Collection method: clinical testing. Allele origin: germline.
Comment: This sequence change replaces aspartic acid, which is acidic and polar, with glycine, which is neutral and non-polar, at codon 1309 of the SCN4A protein (p.Asp1309Gly). This variant is not present in population databases (gnomAD no frequency). This variant has not been reported in the literature in individuals affected with SCN4A-related conditions. Advanced modeling of protein sequence and biophysical properties (such as structural, functional, and spatial information, amino acid conservation, physicochemical variation, residue mobility, and thermodynamic stability) has been performed at Invitae for this missense variant, however the output from this modeling did not meet the statistical confidence thresholds required to predict the impact of this variant on SCN4A protein function. In summary, the available evidence is currently insufficient to determine the role of this variant in disease. Therefore, it has been classified as a Variant of Uncertain Significance.